The following is an entry in ClinVar:

ClinVar aggregate classification (germline): Uncertain significance. Review status: criteria provided, multiple submitters, no conflicts (2 of 4 stars). 2 submissions from 2 submitters: Uncertain significance (2). Last evaluated 2024-01-19.

Conditions:
Neurofibromatosis, type 1 (NF1). Also called: Peripheral type neurofibromatosis; VON RECKLINGHAUSEN DISEASE; NEUROFIBROMATOSIS, TYPE I, SOMATIC; Neurofibromatosis, type I. Identifiers: Orphanet 636, MedGen C0027831, MONDO:0018975, OMIM 162200. Disease mechanism: loss of function.

Submissions (2):

GeneDx
Classification: Uncertain significance. Last evaluated: 2024-01-19. Review status: criteria provided, single submitter. Criteria: GeneDx Variant Classification Process June 2021. Collection method: clinical testing. Allele origin: germline. Affected: yes.
Comment: Not observed at significant frequency in large population cohorts (gnomAD); In silico analysis supports a deleterious effect on splicing; This variant is associated with the following publications: (PMID: 23913538)

Labcorp Genetics (formerly Invitae), Labcorp
Classification: Uncertain significance for Neurofibromatosis, type 1. Last evaluated: 2023-06-27. Review status: criteria provided, single submitter. Criteria: Invitae Variant Classification Sherloc (09022015). Collection method: clinical testing. Allele origin: germline.
Comment: In summary, the available evidence is currently insufficient to determine the role of this variant in disease. Therefore, it has been classified as a Variant of Uncertain Significance. Variants that disrupt the consensus splice site are a relatively common cause of aberrant splicing (PMID: 17576681, 9536098). Studies have shown that this variant is associated with altered splicing resulting in unknown protein product impact (Inviate). ClinVar contains an entry for this variant (Variation ID: 582333). This variant has been observed in individual(s) with NF1-related conditions (PMID: 23913538). This variant is not present in population databases (gnomAD no frequency). This sequence change falls in intron 52 of the NF1 gene. It does not directly change the encoded amino acid sequence of the NF1 protein. It affects a nucleotide within the consensus splice site.

Literature cited by the submitters: PubMed 17576681 (cited by Labcorp Genetics (formerly Invitae), Labcorp); PubMed 9536098 (cited by Labcorp Genetics (formerly Invitae), Labcorp); PubMed 23913538 (cited by Labcorp Genetics (formerly Invitae), Labcorp).

NM_001042492.3(NF1):c.7869+4A>G

Gene: NF1 (neurofibromin 1; plus strand). Cytogenetic location: 17q11.2.
Variant type: single nucleotide variant.
Coding change: c.7869+4A>G on transcript NM_001042492.3 (MANE Select); 4 bases into the intron after coding-DNA position 7869, A replaced by G.
Molecular consequence: intron variant.
Genome position (GRCh38, 1-based): chr17:31,357,094, A>G. VCF-style: chr17-31357094-A-G. GRCh37 (hg19) VCF-style: chr17-29684112-A-G.
Other names: c.7806+4A>G (NM_000267.4).
Identifiers: ClinVar variation 582333 (VCV000582333.5), dbSNP rs1567627046, ClinGen allele CA658761040.